The following is an entry in ClinVar:

ClinVar aggregate classification (germline): Uncertain significance. Review status: criteria provided, multiple submitters, no conflicts (2 of 4 stars). 2 submissions from 2 submitters: Uncertain significance (2). Last evaluated 2021-08-31.

Conditions:
Hereditary sensory and autonomic neuropathy type 6. Also called: HSAN VI; Neuropathy, hereditary sensory and autonomic, type VI. Identifiers: Orphanet 314381, MedGen C3539003, MONDO:0013839, OMIM 614653.
Epidermolysis bullosa simplex 3, localized or generalized intermediate, with BP230 deficiency (EBS3). Also called: Epidermolysis bullosa simplex due to BP230 deficiency; Epidermolysis bullosa simplex, autosomal recessive 2. Identifiers: Orphanet 412181, MedGen C3809470, MONDO:0014180, OMIM 615425.

Allele frequency attached by ClinVar (database versions not stated): gnomAD exomes 0.00001 and 0.00003; TOPMed 0.00001; gnomAD 0.00002.
gnomAD v4.1: 51 of 1,613,552 alleles (0.0032%); highest among the groups gnomAD compares: Non-Finnish European, 0.0042%; no homozygotes.

Submissions (2):

Labcorp Genetics (formerly Invitae), Labcorp
Classification: Uncertain significance for Epidermolysis bullosa simplex 3, localized or generalized intermediate, with BP230 deficiency; Hereditary sensory and autonomic neuropathy type 6. Last evaluated: 2021-08-31. Review status: criteria provided, single submitter. Criteria: Invitae Variant Classification Sherloc (09022015). Collection method: clinical testing. Allele origin: germline.
Comment: This sequence change replaces asparagine with serine at codon 755 of the DST protein (p.Asn755Ser). The asparagine residue is moderately conserved and there is a small physicochemical difference between asparagine and serine. This variant is not present in population databases (ExAC no frequency). This variant has not been reported in the literature in individuals affected with DST-related conditions. Algorithms developed to predict the effect of missense changes on protein structure and function output the following: SIFT: "Tolerated"; PolyPhen-2: "Benign"; Align-GVGD: "Class C0". The serine amino acid residue is found in multiple mammalian species, which suggests that this missense change does not adversely affect protein function. In summary, the available evidence is currently insufficient to determine the role of this variant in disease. Therefore, it has been classified as a Variant of Uncertain Significance.

GeneDx
Classification: Uncertain significance. Last evaluated: 2021-04-26. Review status: criteria provided, single submitter. Criteria: GeneDx Variant Classification Process June 2021. Collection method: clinical testing. Allele origin: germline. Affected: yes.
Comment: Not observed at a significant frequency in large population cohorts (Lek et al., 2016); In silico analysis supports that this missense variant does not alter protein structure/function; Has not been previously published as pathogenic or benign to our knowledge

NM_001374736.1(DST):c.3875A>G (p.Asn1292Ser)

Gene: DST (dystonin; minus strand). Cytogenetic location: 6p12.1.
Variant type: single nucleotide variant.
Coding change: c.3875A>G on transcript NM_001374736.1 (MANE Select); coding-DNA position 3875, A replaced by G.
Protein change: p.Asn1292Ser; replaces asparagine 1292 with serine.
Molecular consequence: missense variant.
Genome position (GRCh38, 1-based): chr6:56,631,971, T>C on the plus strand (A>G on the coding strand, the complement: DST is on the minus strand). VCF-style: chr6-56631971-T-C. GRCh37 (hg19) VCF-style: chr6-56496769-T-C.
Other names: c.3776A>G, p.Asn1259Ser (NM_001144769.5); c.3362A>G, p.Asn1121Ser (NM_001144770.2); c.3875A>G, p.Asn1292Ser (NM_001374722.1); c.3242A>G, p.Asn1081Ser (NM_001374729.1, NM_001374730.1, NM_001386100.1 and 1 more transcripts); c.3902A>G, p.Asn1301Ser (NM_001374734.1); c.2264A>G, p.Asn755Ser (NM_001723.7, NM_015548.5); short protein forms N1121S, N1292S, N1081S, N755S, N1259S, N1301S.
Identifiers: ClinVar variation 853391 (VCV000853391.8), dbSNP rs1275168494, ClinGen allele CA364574929.